The following is an entry in ClinVar:

NM_000414.4(HSD17B4):c.1192T>C (p.Ser398Pro)

Gene: HSD17B4 (hydroxysteroid 17-beta dehydrogenase 4; plus strand). Cytogenetic location: 5q23.1.
Variant type: single nucleotide variant.
Coding change: c.1192T>C on transcript NM_000414.4 (MANE Select); coding-DNA position 1192, T replaced by C.
Protein change: p.Ser398Pro; replaces serine 398 with proline.
Molecular consequence: missense variant. On other transcripts: non-coding transcript variant (2).
Genome position (GRCh38, 1-based): chr5:119,499,536, T>C. VCF-style: chr5-119499536-T-C. GRCh37 (hg19) VCF-style: chr5-118835231-T-C.
Other names: c.1267T>C, p.Ser423Pro (NM_001199291.3); c.1138T>C, p.Ser380Pro (NM_001199292.2); c.1120T>C, p.Ser374Pro (NM_001292027.2); c.772T>C, p.Ser258Pro (NM_001292028.2); c.1183T>C, p.Ser395Pro (NM_001374497.1); c.1192T>C, p.Ser398Pro (NM_001374498.1); c.865T>C, p.Ser289Pro (NM_001374499.1); c.751T>C, p.Ser251Pro (NM_001374500.1); and 1 more; short protein forms S251P, S374P, S380P, S395P, S289P, S398P, S258P, S423P.
Identifiers: ClinVar variation 720158 (VCV000720158.26), dbSNP rs576803491, ClinGen allele CA3382105.
Genomic context (GRCh38, chr5:119,499,536, plus strand): 5'-GGAGTTATCATAGGTCAGAAATCTATGATGGGTGGAGGATTAGCAGAAATTCCTGGACTT[T>C]CAATCAACTTTGCAAAGGTATGCCTAATAAAAAACCTTTATTTTGCTTTTCTATTTCTGT-3'
Protein context (NP_000405.1, residues 388-408): GGGLAEIPGL[Ser398Pro]INFAKVLHGE

ClinVar aggregate classification (germline): Benign. Review status: criteria provided, multiple submitters, no conflicts (2 of 4 stars). 3 submissions from 3 submitters: Benign (2). 1 of the submissions does not count toward it. Last evaluated 2026-02-02.

Conditions:
Bifunctional peroxisomal enzyme deficiency (DBIF). Also called: DBP DEFICIENCY; PBFE DEFICIENCY; D-bifunctional protein deficiency. Identifiers: Orphanet 300, MedGen C0342870, MONDO:0009855, OMIM 261515. Disease mechanism: loss of function.
Perrault syndrome. Also called: Gonadal dysgenesis with auditory dysfunction, autosomal recessive inheritance. Identifiers: Orphanet 2855, MedGen C0685838, MONDO:0017312.

Allele frequency attached by ClinVar (database versions not stated): gnomAD 0.00001 and 0.00027; TOPMed 0.00003; gnomAD exomes 0.00073 and 0.00143; 1000 Genomes Project 0.00140; 1000 Genomes Project 30x 0.00141; ExAC 0.00157.
gnomAD v4.1: 1,084 of 1,610,172 alleles (0.067%); highest among the groups gnomAD compares: South Asian, 1.1%; 22 homozygotes.

Submissions (3):

Labcorp Genetics (formerly Invitae), Labcorp
Classification: Benign for Perrault syndrome; Bifunctional peroxisomal enzyme deficiency. Last evaluated: 2026-02-02. Review status: criteria provided, single submitter. Criteria: Invitae Variant Classification Sherloc (09022015). Collection method: clinical testing. Allele origin: germline.

CeGaT Center for Human Genetics Tuebingen
Classification: Benign. Last evaluated: 2024-09-01. Review status: criteria provided, single submitter. Criteria: CeGaT Center For Human Genetics Tuebingen Variant Classification Criteria Version 2. Collection method: clinical testing. Allele origin: germline. Affected: yes. Observed: 1 variant allele.
Comment: HSD17B4: BP4, BS1, BS2

Natera, Inc.
Classification: Benign for Bifunctional peroxisomal enzyme deficiency. Last evaluated: 2020-01-05. Review status: no assertion criteria provided. Collection method: clinical testing. Allele origin: germline. Not counted in ClinVar's aggregate classification.